The following is an entry in ClinVar:

ClinVar aggregate classification (germline): Benign/Likely benign. Review status: criteria provided, multiple submitters, no conflicts (2 of 4 stars). 6 submissions from 6 submitters: Benign (4); Likely benign (1). 1 of the submissions does not count toward it. Last evaluated 2026-02-02.

Conditions:
Primary ciliary dyskinesia 9. Also called: CILIARY DYSKINESIA, PRIMARY, 9, WITH OR WITHOUT SITUS INVERSUS. Identifiers: Orphanet 244, MedGen C2676235, MONDO:0012906, OMIM 612444.
Primary ciliary dyskinesia. Also called: Ciliary dyskinesia. Identifiers: Orphanet 244, MedGen C0008780, MONDO:0016575, HP:0012265.

Allele frequency attached by ClinVar (database versions not stated): gnomAD 0.00066 and 0.00115; TOPMed 0.00110; gnomAD exomes 0.00132 and 0.00242; ExAC 0.00250; 1000 Genomes Project 30x 0.00484; 1000 Genomes Project 0.00539.
gnomAD v4.1: 2,089 of 1,613,252 alleles (0.13%); highest among the groups gnomAD compares: East Asian, 4%; 44 homozygotes.

Submissions (6):

Labcorp Genetics (formerly Invitae), Labcorp
Classification: Benign for Primary ciliary dyskinesia. Last evaluated: 2026-02-02. Review status: criteria provided, single submitter. Criteria: Invitae Variant Classification Sherloc (09022015). Collection method: clinical testing. Allele origin: germline.

Mayo Clinic Laboratories, Mayo Clinic
Classification: Benign. Last evaluated: 2024-12-17. Review status: criteria provided, single submitter. Criteria: ACMG Guidelines, 2015. Collection method: clinical testing. Allele origin: germline. Observed: 1 variant allele.
Comment: BS1, BS2, BP4, BP7

Illumina Laboratory Services, Illumina
Classification: Likely benign for Primary ciliary dyskinesia 9. Last evaluated: 2018-01-13. Review status: criteria provided, single submitter. Criteria: ICSL Variant Classification Criteria 13 December 2019. Collection method: clinical testing. Allele origin: germline.
Comment: This variant was observed in the ICSL laboratory as part of a predisposition screen in an ostensibly healthy population. It had not been previously curated by ICSL or reported in the Human Gene Mutation Database (HGMD: prior to June 1st, 2018), and was therefore a candidate for classification through an automated scoring system. Utilizing variant allele frequency, disease prevalence and penetrance estimates, and inheritance mode, an automated score was calculated to assess if this variant is too frequent to cause the disease. Based on the score and internal cut-off values, a variant classified as likely benign is not then subjected to further curation. The score for this variant resulted in a classification of likely benign for this disease.

Ambry Genetics
Classification: Benign for Primary ciliary dyskinesia. Last evaluated: 2016-05-31. Review status: criteria provided, single submitter. Criteria: Ambry Variant Classification Scheme 2023. Collection method: clinical testing. Allele origin: germline.

PreventionGenetics, part of Exact Sciences
Classification: Benign. Review status: criteria provided, single submitter. Criteria: ACMG Guidelines, 2015. Collection method: clinical testing. Allele origin: germline.

Natera, Inc.
Classification: Benign for Primary ciliary dyskinesia. Last evaluated: 2020-09-16. Review status: no assertion criteria provided. Collection method: clinical testing. Allele origin: germline. Not counted in ClinVar's aggregate classification.

NM_023036.6(DNAI2):c.1572G>A (p.Lys524=)

Gene: DNAI2 (dynein axonemal intermediate chain 2; plus strand). Cytogenetic location: 17q25.1.
Variant type: single nucleotide variant.
Coding change: c.1572G>A on transcript NM_023036.6 (MANE Select); coding-DNA position 1572, G replaced by A.
Protein change: p.Lys524=; no amino-acid change (lysine 524 retained).
Molecular consequence: synonymous variant.
Genome position (GRCh38, 1-based): chr17:74,312,080, G>A. VCF-style: chr17-74312080-G-A. GRCh37 (hg19) VCF-style: chr17-72308219-G-A.
Other names: p.Lys524=; c.1536G>A, p.Lys512= (NM_001172810.3); c.1572G>A, p.Lys524= (NM_001353167.2).
Identifiers: ClinVar variation 261643 (VCV000261643.21), dbSNP rs2279122, ClinGen allele CA8745832.